The following is an entry in ClinVar:

NM_012200.4(B3GAT3):c.631C>T (p.Arg211Cys)

Gene: B3GAT3 (beta-1,3-glucuronyltransferase 3; minus strand). Cytogenetic location: 11q12.3.
Variant type: single nucleotide variant.
Coding change: c.631C>T on transcript NM_012200.4 (MANE Select); coding-DNA position 631, C replaced by T.
Protein change: p.Arg211Cys; replaces arginine 211 with cysteine.
Molecular consequence: missense variant. On other transcripts: non-coding transcript variant (1).
Genome position (GRCh38, 1-based): chr11:62,616,784, G>A on the plus strand (C>T on the coding strand, the complement: B3GAT3 is on the minus strand). VCF-style: chr11-62616784-G-A. GRCh37 (hg19) VCF-style: chr11-62384256-G-A.
Other names: c.610C>T, p.Arg204Cys (NM_001288721.2); c.631C>T, p.Arg211Cys (NM_001288722.2, NM_001288723.2); short protein forms R204C, R211C.
Identifiers: ClinVar variation 3659478 (VCV003659478.2).

ClinVar aggregate classification (germline): Uncertain significance (1 of 4 stars; one submission).

Conditions:
Larsen-like syndrome, B3GAT3 type. Also called: Multiple joint dislocations, short stature, craniofacial dysmorphism, with or without congenital heart defects; MULTIPLE JOINT DISLOCATIONS, SHORT STATURE, AND CRANIOFACIAL DYSMORPHISM WITH OR WITHOUT CONGENITAL HEART DEFECTS. Identifiers: Orphanet 284139, MedGen CN034159, MONDO:0009511, OMIM 245600.

Submission:

Labcorp Genetics (formerly Invitae), Labcorp
Classification: Uncertain significance for Larsen-like syndrome, B3GAT3 type. Last evaluated: 2024-03-26. Review status: criteria provided, single submitter. Criteria: Invitae Variant Classification Sherloc (09022015). Collection method: clinical testing. Allele origin: germline.
Comment: This sequence change replaces arginine, which is basic and polar, with cysteine, which is neutral and slightly polar, at codon 211 of the B3GAT3 protein (p.Arg211Cys). This variant is present in population databases (rs745645272, gnomAD 0.005%). This variant has not been reported in the literature in individuals affected with B3GAT3-related conditions. Advanced modeling of protein sequence and biophysical properties (such as structural, functional, and spatial information, amino acid conservation, physicochemical variation, residue mobility, and thermodynamic stability) performed at Invitae indicates that this missense variant is not expected to disrupt B3GAT3 protein function with a negative predictive value of 80%. In summary, the available evidence is currently insufficient to determine the role of this variant in disease. Therefore, it has been classified as a Variant of Uncertain Significance.